The following is an entry in ClinVar:

NM_030948.6(PHACTR1):c.218C>G (p.Ala73Gly)

Gene: PHACTR1 (phosphatase and actin regulator 1; plus strand). Cytogenetic location: 6p24.1.
Variant type: single nucleotide variant.
Coding change: c.218C>G on transcript NM_030948.6 (MANE Select); coding-DNA position 218, C replaced by G.
Protein change: p.Ala73Gly; replaces alanine 73 with glycine.
Molecular consequence: missense variant.
Genome position (GRCh38, 1-based): chr6:12,749,758, C>G. VCF-style: chr6-12749758-C-G. GRCh37 (hg19) VCF-style: chr6-12749990-C-G.
Other names: c.218C>G, p.Ala73Gly (NM_001242648.4, NM_001322308.3, NM_001322309.3 and 4 more transcripts); short protein forms A73G.
Identifiers: ClinVar variation 4292944 (VCV004292944.1).

ClinVar aggregate classification (germline): Uncertain significance (1 of 4 stars; one submission).

Conditions:
Developmental and epileptic encephalopathy, 70. Also called: EPILEPTIC ENCEPHALOPATHY, EARLY INFANTILE, 70. Identifiers: MedGen C4749023, MONDO:0032663, OMIM 618298.

Submission:

3billion
Classification: Uncertain significance for Developmental and epileptic encephalopathy, 70. Last evaluated: 2025-01-21. Review status: criteria provided, single submitter. Criteria: ACMG Guidelines, 2015. Collection method: clinical testing. Allele origin: germline. Affected: yes.
Comment: The variant is not observed in the gnomAD v4.1.0 dataset. Predicted Consequence/Location: Missense variant. Missense changes are a common disease-causing mechanism. In silico tool predictions suggest damaging effect of the variant on gene or gene product [ 3Cnet: 0.84 (>=0.6, sensitivity 0.72 and precision 0.9)]. Therefore, this variant is classified as VUS according to the recommendation of ACMG/AMP guideline.